The following is an entry in ClinVar:

NC_000005.9:g.(?_139930285)_(140078137_?)del

Genes: APBB3 (amyloid beta precursor protein binding family B member 3; minus strand), CD14 (CD14 molecule; minus strand), DND1 (DND microRNA-mediated repression inhibitor 1; minus strand), HARS1 (histidyl-tRNA synthetase 1; minus strand), HARS2 (histidyl-tRNA synthetase 2, mitochondrial; plus strand) and 6 more. Cytogenetic location: 5q31.3.
Variant type: Deletion.
Identifiers: ClinVar variation 2424471 (VCV002424471.4).

ClinVar aggregate classification (germline): Uncertain significance (1 of 4 stars; one submission).

Submission:

Labcorp Genetics (formerly Invitae), Labcorp
Classification: Uncertain significance. Last evaluated: 2022-07-19. Review status: criteria provided, single submitter. Criteria: Invitae Variant Classification Sherloc (09022015). Collection method: clinical testing. Allele origin: germline.
Comment: In summary, the available evidence is currently insufficient to determine the role of this variant in disease. Therefore, it has been classified as a Variant of Uncertain Significance. This variant has not been reported in the literature in individuals affected with NDUFA2-related conditions. A gross deletion of the genomic region encompassing the full coding sequence of the NDUFA2 gene has been identified. The current clinical and genetic evidence is not sufficient to establish whether loss-of-function variants in NDUFA2 cause disease. The boundaries of this event are unknown as they extend beyond the assayed region for this gene and therefore may encompass additional genes.